The following is an entry in ClinVar:

ClinVar aggregate classification (germline): Likely benign (1 of 4 stars; one submission).

Allele frequency attached by ClinVar (database versions not stated): 1000 Genomes Project 0.00379; 1000 Genomes Project 30x 0.00406; TOPMed 0.00468; gnomAD 0.00519; ExAC 0.00579; ESP Exome Variant Server 0.00708; gnomAD exomes 0.00766.
gnomAD v4.1: 11,950 of 1,612,922 alleles (0.74%); highest among the groups gnomAD compares: Non-Finnish European, 0.85%; 58 homozygotes.

Submission:

CeGaT Center for Human Genetics Tuebingen
Classification: Likely benign. Last evaluated: 2023-03-01. Review status: criteria provided, single submitter. Criteria: CeGaT Center For Human Genetics Tuebingen Variant Classification Criteria Version 2. Collection method: clinical testing. Allele origin: germline. Affected: yes. Observed: 1 variant allele.
Comment: LPXN: BP4, BS2

NM_004811.3(LPXN):c.743-6C>T

Gene: LPXN (leupaxin; minus strand). Cytogenetic location: 11q12.1.
Variant type: single nucleotide variant.
Coding change: c.743-6C>T on transcript NM_004811.3 (MANE Select); 6 bases into the intron before coding-DNA position 743, C replaced by T.
Molecular consequence: intron variant.
Genome position (GRCh38, 1-based): chr11:58,528,197, G>A on the plus strand (C>T on the coding strand, the complement: LPXN is on the minus strand). VCF-style: chr11-58528197-G-A. GRCh37 (hg19) VCF-style: chr11-58295670-G-A.
Other names: c.758-6C>T (NM_001143995.3); c.683-6C>T (NM_001307951.2).
Identifiers: ClinVar variation 2641805 (VCV002641805.24), dbSNP rs76285432, ClinGen allele CA6014092.